The following is an entry in ClinVar:

ClinVar aggregate classification (germline): Likely benign (1 of 4 stars; one submission).

Submission:

CeGaT Center for Human Genetics Tuebingen
Classification: Likely benign. Last evaluated: 2022-10-01. Review status: criteria provided, single submitter. Criteria: CeGaT Center For Human Genetics Tuebingen Variant Classification Criteria Version 2. Collection method: clinical testing. Allele origin: germline. Affected: yes. Observed: 1 variant allele.
Comment: ANKRD36B: PM2:Supporting, BP4, BP7

NM_001393939.1(ANKRD36B):c.2718G>A (p.Arg906=)

Gene: ANKRD36B (ankyrin repeat domain 36B; minus strand). Cytogenetic location: 2q11.2.
Variant type: single nucleotide variant.
Coding change: c.2718G>A on transcript NM_001393939.1 (MANE Select); coding-DNA position 2718, G replaced by A.
Protein change: p.Arg906=; no amino-acid change (arginine 906 retained).
Molecular consequence: synonymous variant.
Genome position (GRCh38, 1-based): chr2:97,513,267, C>T on the plus strand (G>A on the coding strand, the complement: ANKRD36B is on the minus strand). VCF-style: chr2-97513267-C-T. GRCh37 (hg19) VCF-style: chr2-98129730-C-T.
Other names: c.2718G>A, p.Arg906= (NM_025190.4).
Identifiers: ClinVar variation 2651168 (VCV002651168.24), dbSNP rs555084919, ClinGen allele CA427538793.